The following is an entry in ClinVar:

ClinVar aggregate classification (germline): Uncertain significance (1 of 4 stars; one submission).

Conditions:
Multiple epiphyseal dysplasia type 4 (EDM4). Also called: Multiple Epiphyseal Dysplasia, Recessive; MULTIPLE EPIPHYSEAL DYSPLASIA WITH BILAYERED PATELLAE; MULTIPLE EPIPHYSEAL DYSPLASIA WITH CLUBFOOT; MULTIPLE EPIPHYSEAL DYSPLASIA, AUTOSOMAL RECESSIVE; SLC26A2-Related Multiple Epiphyseal Dysplasia. Identifiers: Orphanet 93307, MedGen C1847593, MONDO:0009189, OMIM 226900.
Achondrogenesis, type IB (ACG1B). Also called: Achondrogenesis Type 1B. Identifiers: Orphanet 932, Orphanet 93298, MedGen C0265274, MONDO:0010966, OMIM 600972.
Atelosteogenesis type II (AO2). Also called: NEONATAL OSSEOUS DYSPLASIA I; Neonatal osseous dysplasia 1; SLC26A2-Related Atelosteogenesis. Identifiers: Orphanet 56304, MedGen C1850554, MONDO:0009727, OMIM 256050.
Diastrophic dysplasia (DTD). Also called: Diastrophic dwarfism. Identifiers: Orphanet 628, MedGen C0220726, MONDO:0009107, OMIM 222600.

Allele frequency attached by ClinVar (database versions not stated): ExAC 0.00002; TOPMed 0.00004; gnomAD 0.00005; ESP Exome Variant Server 0.00008.
gnomAD v4.1: 90 of 1,613,930 alleles (0.0056%); highest among the groups gnomAD compares: Admixed American, 0.0083%; no homozygotes.

Submission:

Labcorp Genetics (formerly Invitae), Labcorp
Classification: Uncertain significance for Atelosteogenesis type II; Multiple epiphyseal dysplasia type 4; Achondrogenesis, type IB; Diastrophic dysplasia. Last evaluated: 2021-09-24. Review status: criteria provided, single submitter. Criteria: Invitae Variant Classification Sherloc (09022015). Collection method: clinical testing. Allele origin: germline.
Comment: This sequence change replaces aspartic acid with glutamic acid at codon 209 of the SLC26A2 protein (p.Asp209Glu). The aspartic acid residue is weakly conserved and there is a small physicochemical difference between aspartic acid and glutamic acid. This variant is present in population databases (rs372226382, ExAC 0.003%). This variant has not been reported in the literature in individuals with SLC26A2-related conditions. Algorithms developed to predict the effect of missense changes on protein structure and function output the following: SIFT: "Tolerated"; PolyPhen-2: "Benign"; Align-GVGD: "Class C0". The glutamic acid amino acid residue is found in multiple mammalian species, suggesting that this missense change does not adversely affect protein function. These predictions have not been confirmed by published functional studies and their clinical significance is uncertain. In summary, the available evidence is currently insufficient to determine the role of this variant in disease. Therefore, it has been classified as a Variant of Uncertain Significance.

NM_000112.4(SLC26A2):c.627C>A (p.Asp209Glu)

Gene: SLC26A2 (solute carrier family 26 member 2; plus strand). Cytogenetic location: 5q32.
Variant type: single nucleotide variant.
Coding change: c.627C>A on transcript NM_000112.4 (MANE Select); coding-DNA position 627, C replaced by A.
Protein change: p.Asp209Glu; replaces aspartic acid 209 with glutamic acid.
Molecular consequence: missense variant.
Genome position (GRCh38, 1-based): chr5:149,978,279, C>A. VCF-style: chr5-149978279-C-A. GRCh37 (hg19) VCF-style: chr5-149357842-C-A.
Other names: short protein forms D209E.
Identifiers: ClinVar variation 2200534 (VCV002200534.1), dbSNP rs372226382, ClinGen allele CA3505284.